The following is an entry in ClinVar:

NM_000553.6(WRN):c.3592G>A (p.Val1198Ile)

Gene: WRN (WRN RecQ like helicase; plus strand). Cytogenetic location: 8p12.
Variant type: single nucleotide variant.
Coding change: c.3592G>A on transcript NM_000553.6 (MANE Select); coding-DNA position 3592, G replaced by A.
Protein change: p.Val1198Ile; replaces valine 1198 with isoleucine.
Molecular consequence: missense variant.
Genome position (GRCh38, 1-based): chr8:31,150,360, G>A. VCF-style: chr8-31150360-G-A. GRCh37 (hg19) VCF-style: chr8-31007876-G-A.
Other names: short protein forms V1198I.
Identifiers: ClinVar variation 966383 (VCV000966383.5), dbSNP rs147116477, ClinGen allele CA4705128.

ClinVar aggregate classification (germline): Uncertain significance (1 of 4 stars; one submission).

Conditions:
Werner syndrome (WRN). Identifiers: Orphanet 902, MedGen C0043119, MONDO:0010196, OMIM 277700.

Allele frequency attached by ClinVar (database versions not stated): gnomAD 0.00002 and 0.00003; 1000 Genomes Project 30x 0.00016; 1000 Genomes Project 0.00020.
gnomAD v4.1: 9 of 1,614,072 alleles (0.00056%); highest among the groups gnomAD compares: Admixed American, 0.0033%; no homozygotes.

Submission:

Labcorp Genetics (formerly Invitae), Labcorp
Classification: Uncertain significance for Werner syndrome. Last evaluated: 2025-05-05. Review status: criteria provided, single submitter. Criteria: Invitae Variant Classification Sherloc (09022015). Collection method: clinical testing. Allele origin: germline.
Comment: This sequence change replaces valine, which is neutral and non-polar, with isoleucine, which is neutral and non-polar, at codon 1198 of the WRN protein (p.Val1198Ile). The frequency data for this variant in the population databases is considered unreliable, as metrics indicate poor data quality at this position in the gnomAD database. This variant has not been reported in the literature in individuals affected with WRN-related conditions. ClinVar contains an entry for this variant (Variation ID: 966383). An algorithm developed to predict the effect of missense changes on protein structure and function outputs the following: PolyPhen-2: "Benign". The isoleucine amino acid residue is found in multiple mammalian species, which suggests that this missense change does not adversely affect protein function. In summary, the available evidence is currently insufficient to determine the role of this variant in disease. Therefore, it has been classified as a Variant of Uncertain Significance.